The following is an entry in ClinVar:

NM_001048174.2(MUTYH):c.1096A>C (p.Asn366His)

Gene: MUTYH (mutY DNA glycosylase; minus strand). Cytogenetic location: 1p34.1.
Variant type: single nucleotide variant.
Coding change: c.1096A>C on transcript NM_001048174.2 (MANE Select); coding-DNA position 1096, A replaced by C.
Protein change: p.Asn366His; replaces asparagine 366 with histidine.
Molecular consequence: missense variant. On other transcripts: non-coding transcript variant (7).
Genome position (GRCh38, 1-based): chr1:45,331,667, T>G on the plus strand (A>C on the coding strand, the complement: MUTYH is on the minus strand). VCF-style: chr1-45331667-T-G. GRCh37 (hg19) VCF-style: chr1-45797339-T-G.
Other names: c.1099A>C, p.Asn367His (NM_001407086.1, NM_001048172.2, NM_001407071.1 and 1 more transcripts); c.1117A>C, p.Asn373His (NM_001407087.1); c.1096A>C, p.Asn366His (NM_001407088.1, NM_001407089.1, NM_001293195.2 and 6 more transcripts); c.820A>C, p.Asn274His (NM_001407091.1, NM_001293192.2, NM_001293196.2); c.1171A>C, p.Asn391His (NM_012222.3); c.1141A>C, p.Asn381His (NM_001293190.2); c.1129A>C, p.Asn377His (NM_001293191.2, NM_001407069.1, NM_001407077.1); c.751A>C, p.Asn251His (NM_001350650.2, NM_001350651.2, NM_001407082.1); and 5 more; short protein forms N353H, N366H, N380H, N338H, N367H, N394H, N352H, N373H.
Identifiers: ClinVar variation 4113079 (VCV004113079.1).

ClinVar aggregate classification (germline): Uncertain significance (1 of 4 stars; one submission).

Conditions:
Hereditary cancer-predisposing syndrome. Also called: Tumor predisposition; Neoplastic Syndromes, Hereditary; Hereditary neoplastic syndrome; Hereditary Cancer Syndrome. Identifiers: Orphanet 140162, MedGen C0027672, MeSH D009386, MONDO:0015356.

Submission:

Ambry Genetics
Classification: Uncertain significance for Hereditary cancer-predisposing syndrome. Last evaluated: 2025-08-27. Review status: criteria provided, single submitter. Criteria: Ambry Variant Classification Scheme 2023. Collection method: clinical testing. Allele origin: germline.
Comment: The p.N394H variant (also known as c.1180A>C), located in coding exon 12 of the MUTYH gene, results from an A to C substitution at nucleotide position 1180. The asparagine at codon 394 is replaced by histidine, an amino acid with similar properties. This amino acid position is conserved. In addition, this alteration is predicted to be tolerated by in silico analysis. Based on the available evidence, the clinical significance of this variant remains unclear.